The following is an entry in ClinVar:

NM_001267550.2(TTN):c.21545G>A (p.Arg7182Gln)

Gene: TTN (titin; minus strand). Cytogenetic location: 2q31.2.
Variant type: single nucleotide variant.
Coding change: c.21545G>A on transcript NM_001267550.2 (MANE Select); coding-DNA position 21545, G replaced by A.
Protein change: p.Arg7182Gln; replaces arginine 7182 with glutamine.
Molecular consequence: missense variant. On other transcripts: intron variant (3).
Genome position (GRCh38, 1-based): chr2:178,723,555, C>T on the plus strand (G>A on the coding strand, the complement: TTN is on the minus strand). VCF-style: chr2-178723555-C-T. GRCh37 (hg19) VCF-style: chr2-179588282-C-T.
Other names: c.20594G>A, p.Arg6865Gln (NM_001256850.1); c.17813G>A, p.Arg5938Gln (NM_133378.4); c.13282+14527G>A (NM_003319.4); c.13858+14527G>A (NM_133437.4); c.13657+14527G>A (NM_133432.3); short protein forms R5938Q, R7182Q, R6865Q.
Identifiers: ClinVar variation 506188 (VCV000506188.8), dbSNP rs200447686, ClinGen allele CA2001006.
Genomic context (GRCh38, chr2:178,723,555, plus strand): 5'-GATATGTCAATATTAAATAATTCCAGTTCTGCCACAGTGTCTTCAAAATAGATGTTGCAC[C>T]GGTCTCCTTTCACTAGTTCTCTGGCACCTCTGAACCAGTTGACTTTGAATGGAGGGGTTC-3'
Protein context (NP_001254479.2, residues 7172-7192): RGARELVKGD[Arg7182Gln]CNIYFEDTVA

ClinVar aggregate classification (germline): Conflicting classifications of pathogenicity. Review status: criteria provided, conflicting classifications (1 of 4 stars). 4 submissions from 4 submitters: Uncertain significance (2); Likely benign (2). Last evaluated 2026-07-30.

Conditions:
TTN-related disorder. Also called: TTN-related condition; TTN-related disease; TTN-related disorders.

Allele frequency attached by ClinVar (database versions not stated): gnomAD exomes 0.00005 and 0.00007; gnomAD 0.00006 and 0.00005; TOPMed 0.00008; ExAC 0.00004.
gnomAD v4.1: 113 of 1,613,242 alleles (0.007%); highest among the groups gnomAD compares: Middle Eastern, 0.049%; no homozygotes.

Submissions (4):

PreventionGenetics, part of Exact Sciences
Classification: Uncertain significance for TTN-related condition. Last evaluated: 2026-07-30. Review status: criteria provided, single submitter. Criteria: ACMG Guidelines, 2015. Collection method: clinical testing. Allele origin: germline.
Comment: The TTN c.21545G>A variant is predicted to result in the amino acid substitution p.Arg7182Gln. To our knowledge, this variant has not been reported in the literature. This variant is reported in 0.012% of alleles in individuals of African descent in gnomAD. At this time, the clinical significance of this variant is uncertain due to the absence of conclusive functional and genetic evidence.

Mayo Clinic Laboratories, Mayo Clinic
Classification: Uncertain significance. Last evaluated: 2025-09-24. Review status: criteria provided, single submitter. Criteria: ACMG Guidelines, 2015. Collection method: clinical testing. Allele origin: germline. Observed: 1 variant allele.
Comment: BP4_moderate

GeneDx
Classification: Likely benign. Last evaluated: 2020-07-29. Review status: criteria provided, single submitter. Criteria: GeneDx Variant Classification Process June 2021. Collection method: clinical testing. Allele origin: germline. Affected: yes.

Laboratory for Molecular Medicine, Mass General Brigham Personalized Medicine
Classification: Likely benign. Last evaluated: 2017-10-12. Review status: criteria provided, single submitter. Criteria: LMM Criteria. Collection method: clinical testing. Allele origin: germline. Observed: 1 variant allele.
Comment: p.Arg5938Gln in exon 71 of TTN: This variant is not expected to have clinical si gnificance due to a lack of conservation across species. Of note, several mammal s, including 4 primate species, have a Glutamine (Gln) at this position. In addi tion, computational prediction tools do not suggest a high likelihood of impact to the protein. It has also been identified in 15/276282 chromosomes by the Geno me Aggregation Database (gnomAD; dbSNP rs20044 7686).